The following is an entry in ClinVar:

NM_020975.6(RET):c.2094C>G (p.Asp698Glu)

Gene: RET (ret proto-oncogene; plus strand). Cytogenetic location: 10q11.21.
Variant type: single nucleotide variant.
Coding change: c.2094C>G on transcript NM_020975.6 (MANE Select); coding-DNA position 2094, C replaced by G.
Protein change: p.Asp698Glu; replaces aspartic acid 698 with glutamic acid.
Molecular consequence: missense variant.
Genome position (GRCh38, 1-based): chr10:43,114,694, C>G. VCF-style: chr10-43114694-C-G. GRCh37 (hg19) VCF-style: chr10-43610142-C-G.
Other names: c.1959C>G, p.Asp653Glu (NM_001406765.1, NM_001406763.1); c.1806C>G, p.Asp602Glu (NM_001406766.1, NM_001406767.1, NM_001406770.1); c.1830C>G, p.Asp610Glu (NM_001406768.1); c.1698C>G, p.Asp566Glu (NM_001406769.1, NM_001406772.1); c.1656C>G, p.Asp552Glu (NM_001406771.1, NM_001406773.1); c.1569C>G, p.Asp523Glu (NM_001406774.1); c.1368C>G, p.Asp456Glu (NM_001406775.1, NM_001406776.1, NM_001406777.1 and 1 more transcripts); c.1197C>G, p.Asp399Glu (NM_001406779.1, NM_001406780.1, NM_001406781.1 and 1 more transcripts); and 10 more; short protein forms D263E, D356E, D359E, D399E, D523E, D354E, D444E, D456E.
Identifiers: ClinVar variation 1785769 (VCV001785769.2), dbSNP rs2132854211, ClinGen allele CA376553295.

ClinVar aggregate classification (germline): Uncertain significance (1 of 4 stars; one submission).

Conditions:
Hereditary cancer-predisposing syndrome. Also called: Neoplastic Syndromes, Hereditary; Tumor predisposition; Hereditary Cancer Syndrome; Hereditary neoplastic syndrome. Identifiers: Orphanet 140162, MedGen C0027672, MeSH D009386, MONDO:0015356.

Submission:

Ambry Genetics
Classification: Uncertain significance for Hereditary cancer-predisposing syndrome. Last evaluated: 2022-05-01. Review status: criteria provided, single submitter. Criteria: Ambry Variant Classification Scheme 2023. Collection method: clinical testing. Allele origin: germline.
Comment: The p.D698E variant (also known as c.2094C>G), located in coding exon 11 of the RET gene, results from a C to G substitution at nucleotide position 2094. The aspartic acid at codon 698 is replaced by glutamic acid, an amino acid with highly similar properties. This amino acid position is conserved. In addition, this alteration is predicted to be tolerated by in silico analysis. Since supporting evidence is limited at this time, the clinical significance of this alteration remains unclear.